The following is an entry in ClinVar:

NM_002778.4(PSAP):c.1169G>T (p.Gly390Val)

Gene: PSAP (prosaposin; minus strand). Cytogenetic location: 10q22.1.
Variant type: single nucleotide variant.
Coding change: c.1169G>T on transcript NM_002778.4 (MANE Select); coding-DNA position 1169, G replaced by T.
Protein change: p.Gly390Val; replaces glycine 390 with valine.
Molecular consequence: missense variant.
Genome position (GRCh38, 1-based): chr10:71,819,737, C>A on the plus strand (G>T on the coding strand, the complement: PSAP is on the minus strand). VCF-style: chr10-71819737-C-A. GRCh37 (hg19) VCF-style: chr10-73579494-C-A.
Other names: c.1178G>T, p.Gly393Val (NM_001042465.3); c.1175G>T, p.Gly392Val (NM_001042466.3); short protein forms G393V, G390V, G392V.
Identifiers: ClinVar variation 1953454 (VCV001953454.5), dbSNP rs1270266148, ClinGen allele CA377143984.
Genomic context (GRCh38, chr10:71,819,737, plus strand): 5'-GGGCACCATCCTCTCCCGCACCACACCCAGCGCTCACCGGTCAGTGCAGGCAGCCGCGTG[C>A]CAGAGCAGAGGTGCAGCATGCTGCACACCAGCTCAGGGCTGACCTCCTCCAGCAGGATGG-3'
Protein context (NP_002769.1, residues 380-400): LVCSMLHLCS[Gly390Val]TRLPALTVHV

ClinVar aggregate classification (germline): Uncertain significance (1 of 4 stars; one submission).

Conditions:
Sphingolipid activator protein 1 deficiency. Also called: Saposin B Deficiency; Metachromatic leukodystrophy due to saposin B deficiency; METACHROMATIC LEUKODYSTROPHY DUE TO CEREBROSIDE SULFATASE ACTIVATOR DEFICIENCY. Identifiers: Orphanet 512, MedGen C0268262, MONDO:0009590, OMIM 249900.

Allele frequency attached by ClinVar (database versions not stated): gnomAD exomes below 0.00001; TOPMed below 0.00001; gnomAD 0.00001.
gnomAD v4.1: 5 of 1,613,980 alleles (0.00031%); highest among the groups gnomAD compares: African/African-American, 0.0053%; no homozygotes.

Submission:

Labcorp Genetics (formerly Invitae), Labcorp
Classification: Uncertain significance for Sphingolipid activator protein 1 deficiency. Last evaluated: 2022-11-01. Review status: criteria provided, single submitter. Criteria: Invitae Variant Classification Sherloc (09022015). Collection method: clinical testing. Allele origin: germline.
Comment: This sequence change replaces glycine, which is neutral and non-polar, with valine, which is neutral and non-polar, at codon 390 of the PSAP protein (p.Gly390Val). In summary, the available evidence is currently insufficient to determine the role of this variant in disease. Therefore, it has been classified as a Variant of Uncertain Significance. Advanced modeling of protein sequence and biophysical properties (such as structural, functional, and spatial information, amino acid conservation, physicochemical variation, residue mobility, and thermodynamic stability) has been performed at Invitae for this missense variant, however the output from this modeling did not meet the statistical confidence thresholds required to predict the impact of this variant on PSAP protein function. This variant has not been reported in the literature in individuals affected with PSAP-related conditions. This variant is present in population databases (no rsID available, gnomAD 0.01%).